The following is an entry in ClinVar:

NM_000138.5(FBN1):c.3227dup (p.Ser1077fs)

Gene: FBN1 (fibrillin 1; minus strand). Cytogenetic location: 15q21.1.
Variant type: Duplication.
Coding change: c.3227dup on transcript NM_000138.5 (MANE Select); coding-DNA position 3227, one base duplicated (T; older notation c.3227dupT).
Protein change: p.Ser1077fs; shifts the reading frame from serine 1077.
Molecular consequence: frameshift variant.
Genome position (GRCh38, 1-based): chr15:48,488,223, A duplicated on the plus strand (T on the coding strand, the reverse complement: FBN1 is on the minus strand). VCF-style (leftmost placement, unchanged base first): chr15-48488222-T-TA. GRCh37 (hg19) VCF-style: chr15-48780419-T-TA.
Other names: short protein forms S1077fs.
Identifiers: ClinVar variation 1453833 (VCV001453833.6), dbSNP rs2141294808, ClinGen allele CA2573150841.

ClinVar aggregate classification (germline): Pathogenic (1 of 4 stars; one submission).

Conditions:
Marfan syndrome (MFS). Also called: MARFAN SYNDROME, TYPE I; Marfan syndrome type 1; Marfan's syndrome; Marfan syndrome, classic; FBN1-Related Marfan Syndrome. Identifiers: Orphanet 284963, Orphanet 558, MedGen C0024796, MONDO:0007947, OMIM 154700.
Familial thoracic aortic aneurysm and aortic dissection (TAAD). Also called: Thoracic aortic aneurysms and dissections. Identifiers: Orphanet 91387, MedGen C4707243, MONDO:0019625.

Submission:

Labcorp Genetics (formerly Invitae), Labcorp
Classification: Pathogenic for Marfan syndrome; Familial thoracic aortic aneurysm and aortic dissection. Last evaluated: 2021-03-28. Review status: criteria provided, single submitter. Criteria: Invitae Variant Classification Sherloc (09022015). Collection method: clinical testing. Allele origin: germline.
Comment: For these reasons, this variant has been classified as Pathogenic. This variant has not been reported in the literature in individuals with FBN1-related conditions. This variant is not present in population databases (ExAC no frequency). This sequence change creates a premature translational stop signal (p.Ser1077Ilefs*3) in the FBN1 gene. It is expected to result in an absent or disrupted protein product. Loss-of-function variants in FBN1 are known to be pathogenic (PMID: 17657824, 19293843).

Literature cited by the submitters: PubMed 17657824; PubMed 19293843.